The following is an entry in ClinVar:

ClinVar aggregate classification (germline): Conflicting classifications of pathogenicity. Review status: criteria provided, conflicting classifications (1 of 4 stars). 6 submissions from 6 submitters: Uncertain significance (1); Likely benign (4). 1 of the submissions does not count toward it. Last evaluated 2026-02-10.

Conditions:
Leukocyte adhesion deficiency 3. Also called: INTEGRIN ACTIVATION DEFICIENCY DISEASE; LEUKOCYTE ADHESION DEFICIENCY 1 VARIANT; Leukocyte adhesion deficiency, type III. Identifiers: Orphanet 2968, Orphanet 99844, MedGen C2748536, MONDO:0013016, OMIM 612840.
FERMT3-related disorder. Also called: FERMT3-related condition.

Allele frequency attached by ClinVar (database versions not stated): gnomAD exomes 0.00026; ExAC 0.00036; gnomAD 0.00087 and 0.00094; TOPMed 0.00102; ESP Exome Variant Server 0.00139; 1000 Genomes Project 30x 0.00156; 1000 Genomes Project 0.00160.
gnomAD v4.1: 244 of 1,613,850 alleles (0.015%); highest among the groups gnomAD compares: African/African-American, 0.29%; 3 homozygotes.

Submissions (6):

Women's Health and Genetics/Laboratory Corporation of America, LabCorp
Classification: Likely benign. Last evaluated: 2026-02-10. Review status: criteria provided, single submitter. Criteria: LabCorp Variant Classification Summary - May 2015. Collection method: clinical testing. Allele origin: germline.
Comment: Variant summary: FERMT3 c.1158C>G (p.Ser386Arg) results in a non-conservative amino acid change in the encoded protein sequence. Algorithms developed to predict the effect of missense changes on protein structure and function all suggest that this variant is likely to be disruptive. The variant allele was found at a frequency of 0.00026 in 250380 control chromosomes, predominantly at a frequency of 0.0035 within the African or African-American subpopulation in the gnomAD database. The observed variant frequency within African or African-American control individuals in the gnomAD database exceeds the estimated maximal expected allele frequency for disease-causing variants in FERMT3. To our knowledge, no occurrence of c.1158C>G in individuals affected with FERMT3-related conditions and no experimental evidence demonstrating its impact on protein function have been reported. ClinVar contains an entry for this variant (Variation ID: 537723). Based on the evidence outlined above, the variant was classified as likely benign.

Labcorp Genetics (formerly Invitae), Labcorp
Classification: Likely benign for Leukocyte adhesion deficiency 3. Last evaluated: 2026-01-12. Review status: criteria provided, single submitter. Criteria: Invitae Variant Classification Sherloc (09022015). Collection method: clinical testing. Allele origin: germline.

Mayo Clinic Laboratories, Mayo Clinic
Classification: Likely benign. Last evaluated: 2025-04-09. Review status: criteria provided, single submitter. Criteria: ACMG Guidelines, 2015. Collection method: clinical testing. Allele origin: germline. Observed: 1 variant allele.
Comment: BS1, BS2, PP3_moderate

Blueprint Genetics
Classification: Uncertain significance. Last evaluated: 2024-07-18. Review status: criteria provided, single submitter. Criteria: ACMG Guidelines, 2015. Collection method: clinical testing. Allele origin: germline.

Breakthrough Genomics
Classification: Likely benign. Review status: criteria provided, single submitter. Criteria: ACMG Guidelines, 2015. Collection method: not provided. Allele origin: germline. Inheritance: Autosomal recessive inheritance. Affected: yes.

PreventionGenetics, part of Exact Sciences
Classification: Likely benign for FERMT3-related condition. Last evaluated: 2022-07-25. Review status: no assertion criteria provided. Collection method: clinical testing. Allele origin: germline. Not counted in ClinVar's aggregate classification.
Comment: This variant is classified as likely benign based on ACMG/AMP sequence variant interpretation guidelines (Richards et al. 2015 PMID: 25741868, with internal and published modifications).

NM_031471.6(FERMT3):c.1158C>G (p.Ser386Arg)

Gene: FERMT3 (FERM domain containing kindlin 3; plus strand). Cytogenetic location: 11q13.1.
Variant type: single nucleotide variant.
Coding change: c.1158C>G on transcript NM_031471.6 (MANE Select); coding-DNA position 1158, C replaced by G.
Protein change: p.Ser386Arg; replaces serine 386 with arginine.
Molecular consequence: missense variant.
Genome position (GRCh38, 1-based): chr11:64,219,969, C>G. VCF-style: chr11-64219969-C-G. GRCh37 (hg19) VCF-style: chr11-63987441-C-G.
Other names: p.Ser386Arg; c.1158C>G, p.Ser386Arg (NM_001382361.1, NM_001382448.1); c.1170C>G, p.Ser390Arg (NM_001382362.1, NM_178443.3); c.618C>G, p.Ser206Arg (NM_001382363.1); c.630C>G, p.Ser210Arg (NM_001382364.1); short protein forms S386R, S390R, S206R, S210R.
Identifiers: ClinVar variation 537723 (VCV000537723.17), dbSNP rs75295961, ClinGen allele CA6069050.